The following is an entry in ClinVar:

ClinVar aggregate classification (germline): Uncertain significance (0 of 4 stars; one submission).

Conditions:
CEP164-related disorder. Also called: CEP164-related condition.

gnomAD v4.1: 3 of 1,613,818 alleles (0.00019%); highest among the groups gnomAD compares: Non-Finnish European, 0.00025%; no homozygotes.

Submission:

PreventionGenetics, part of Exact Sciences
Classification: Uncertain significance for CEP164-related condition. Last evaluated: 2024-08-20. Review status: no assertion criteria provided. Collection method: clinical testing. Allele origin: germline.
Comment: The CEP164 c.4009G>A variant is predicted to result in the amino acid substitution p.Asp1337Asn. To our knowledge, this variant has not been reported in the literature or in a large population database, indicating this variant is rare. At this time, the clinical significance of this variant is uncertain due to the absence of conclusive functional and genetic evidence.

NM_014956.5(CEP164):c.4009G>A (p.Asp1337Asn)

Gene: CEP164 (centrosomal protein 164; plus strand). Cytogenetic location: 11q23.3.
Variant type: single nucleotide variant.
Coding change: c.4009G>A on transcript NM_014956.5 (MANE Select); coding-DNA position 4009, G replaced by A.
Protein change: p.Asp1337Asn; replaces aspartic acid 1337 with asparagine.
Molecular consequence: missense variant.
Genome position (GRCh38, 1-based): chr11:117,409,878, G>A. VCF-style: chr11-117409878-G-A. GRCh37 (hg19) VCF-style: chr11-117280594-G-A.
Other names: c.3994G>A, p.Asp1332Asn (NM_001271933.2); short protein forms D1332N, D1337N.
Identifiers: ClinVar variation 3356119 (VCV003356119.1).